The following is an entry in ClinVar:

ClinVar aggregate classification (germline): Pathogenic (1 of 4 stars; one submission).

Conditions:
Supravalvar aortic stenosis (SVAS). Also called: Supravalvar aortic stenosis, Eisenberg type. Identifiers: Orphanet 3193, MedGen C0003499, MONDO:0008504, OMIM 185500, HP:0004381.

Submission:

Labcorp Genetics (formerly Invitae), Labcorp
Classification: Pathogenic for Supravalvar aortic stenosis. Last evaluated: 2022-12-16. Review status: criteria provided, single submitter. Criteria: Invitae Variant Classification Sherloc (09022015). Collection method: clinical testing. Allele origin: germline.
Comment: This sequence change creates a premature translational stop signal (p.Tyr221Thrfs*102) in the ELN gene. It is expected to result in an absent or disrupted protein product. Loss-of-function variants in ELN are known to be pathogenic (PMID: 11175284). This variant is not present in population databases (gnomAD no frequency). This variant has not been reported in the literature in individuals affected with ELN-related conditions. For these reasons, this variant has been classified as Pathogenic.

Literature cited by the submitters: PubMed 11175284.

NM_000501.4(ELN):c.660del (p.Tyr221fs)

Gene: ELN (elastin; plus strand). Cytogenetic location: 7q11.23.
Variant type: Deletion.
Coding change: c.660del on transcript NM_000501.4 (MANE Select); coding-DNA position 660, one base deleted (C; older notation c.660delC).
Protein change: p.Tyr221fs; shifts the reading frame from tyrosine 221.
Molecular consequence: frameshift variant. On other transcripts: intron variant (2).
Genome position (GRCh38, 1-based): chr7:74,047,691, C deleted; the last of 3 consecutive C bases (chr7:74,047,689-74,047,691); deleting any one gives the same sequence. VCF-style (leftmost placement, unchanged base first): chr7-74047688-GC-G. GRCh37 (hg19) VCF-style: chr7-73462018-GC-G.
Other names: c.630del, p.Tyr211fs (NM_001081752.3, NM_001278917.2); c.675del, p.Tyr226fs (NM_001081753.3, NM_001081754.3); c.660del, p.Tyr221fs (NM_001081755.3, NM_001278912.2, NM_001278915.2 and 1 more transcripts); c.645del, p.Tyr216fs (NM_001278914.2); c.528del, p.Tyr177fs (NM_001278918.2); c.644-451del (NM_001278916.2); c.578-451del (NM_001278913.2); short protein forms Y221fs, Y216fs, Y177fs, Y211fs, Y226fs.
Identifiers: ClinVar variation 2815116 (VCV002815116.3), dbSNP rs2485448490, ClinGen allele CA2739266463.